The following is an entry in ClinVar:

ClinVar aggregate classification (germline): Pathogenic (1 of 4 stars; one submission).

Conditions:
Ehlers-Danlos syndrome, kyphoscoliotic type 1 (EDSKSCL1). Also called: EHLERS-DANLOS SYNDROME, TYPE VIA; Ehlers-Danlos syndrome, hydroxylysine-deficient; EHLERS-DANLOS SYNDROME, OCULAR-SCOLIOTIC TYPE; PLOD1-Related Kyphoscoliotic Ehlers-Danlos Syndrome. Identifiers: Orphanet 1900, MedGen C0268342, MONDO:0016002, OMIM 225400. Disease mechanism: loss of function.

Submission:

Labcorp Genetics (formerly Invitae), Labcorp
Classification: Pathogenic for Ehlers-Danlos syndrome, kyphoscoliotic type 1. Last evaluated: 2023-10-11. Review status: criteria provided, single submitter. Criteria: Invitae Variant Classification Sherloc (09022015). Collection method: clinical testing. Allele origin: unknown.
Comment: This variant is a gross deletion of the genomic region encompassing exon(s) 17 of the PLOD1 gene. This variant would be expected to be in-frame, preserving the integrity of the reading frame. A similar copy number variant has been observed in individual(s) with Ehlers-Danlos syndrome kyphoscoliotic type (PMID: 9450904, 15666309). In at least one individual the data is consistent with being in trans (on the opposite chromosome) from a pathogenic variant. For these reasons, this variant has been classified as Pathogenic.

Literature cited by the submitters: PubMed 9450904; PubMed 15666309.

NC_000001.10:g.(?_12030707)_(12030937_?)del

Gene: PLOD1 (procollagen-lysine,2-oxoglutarate 5-dioxygenase 1; plus strand). Cytogenetic location: 1p36.22.
Variant type: Deletion.
Identifiers: ClinVar variation 3247666 (VCV003247666.1).